The following is an entry in ClinVar:

NM_004990.4(MARS1):c.2179C>T (p.Arg727Trp)

Gene: MARS1 (methionyl-tRNA synthetase 1; plus strand). Cytogenetic location: 12q13.3.
Variant type: single nucleotide variant.
Coding change: c.2179C>T on transcript NM_004990.4 (MANE Select); coding-DNA position 2179, C replaced by T.
Protein change: p.Arg727Trp; replaces arginine 727 with tryptophan.
Molecular consequence: missense variant.
Genome position (GRCh38, 1-based): chr12:57,515,033, C>T. VCF-style: chr12-57515033-C-T. GRCh37 (hg19) VCF-style: chr12-57908816-C-T.
Other names: short protein forms R727W.
Identifiers: ClinVar variation 1681777 (VCV001681777.8), dbSNP rs369861995, ClinGen allele CA6650726.

ClinVar aggregate classification (germline): Uncertain significance. Review status: criteria provided, multiple submitters, no conflicts (2 of 4 stars). 2 submissions from 2 submitters: Uncertain significance (2). Last evaluated 2024-08-07.

Conditions:
Severe early-onset pulmonary alveolar proteinosis due to MARS deficiency. Also called: PULMONARY ALVEOLAR PROTEINOSIS, REUNION ISLAND; Interstitial lung and liver disease. Identifiers: Orphanet 440427, MedGen C4225400, MONDO:0014206, OMIM 615486.
Charcot-Marie-Tooth disease axonal type 2U. Also called: CHARCOT-MARIE-TOOTH NEUROPATHY, TYPE 2U; CHARCOT-MARIE-TOOTH DISEASE, AXONAL, AUTOSOMAL DOMINANT, TYPE 2U. Identifiers: Orphanet 397735, MedGen C4084821, MONDO:0014566, OMIM 616280.

Allele frequency attached by ClinVar (database versions not stated): gnomAD exomes 0.00001 and 0.00005; ExAC 0.00005; gnomAD 0.00005; TOPMed 0.00007; ESP Exome Variant Server 0.00008.
gnomAD v4.1: 27 of 1,614,020 alleles (0.0017%); highest among the groups gnomAD compares: African/African-American, 0.011%; no homozygotes.

Submissions (2):

Labcorp Genetics (formerly Invitae), Labcorp
Classification: Uncertain significance for Charcot-Marie-Tooth disease axonal type 2U; Severe early-onset pulmonary alveolar proteinosis due to MARS deficiency. Last evaluated: 2024-08-07. Review status: criteria provided, single submitter. Criteria: Invitae Variant Classification Sherloc (09022015). Collection method: clinical testing. Allele origin: germline.
Comment: This sequence change replaces arginine, which is basic and polar, with tryptophan, which is neutral and slightly polar, at codon 727 of the MARS protein (p.Arg727Trp). This variant is present in population databases (rs369861995, gnomAD 0.02%). This variant has not been reported in the literature in individuals affected with MARS-related conditions. ClinVar contains an entry for this variant (Variation ID: 1681777). An algorithm developed to predict the effect of missense changes on protein structure and function outputs the following: PolyPhen-2: "Benign". The tryptophan amino acid residue is found in multiple mammalian species, which suggests that this missense change does not adversely affect protein function. In summary, the available evidence is currently insufficient to determine the role of this variant in disease. Therefore, it has been classified as a Variant of Uncertain Significance.

Ambry Genetics
Classification: Uncertain significance. Last evaluated: 2021-02-17. Review status: criteria provided, single submitter. Criteria: Ambry Variant Classification Scheme 2023. Collection method: clinical testing. Allele origin: germline.
Comment: The p.R727W variant (also known as c.2179C>T), located in coding exon 17 of the MARS gene, results from a C to T substitution at nucleotide position 2179. The arginine at codon 727 is replaced by tryptophan, an amino acid with dissimilar properties. This amino acid position is not well conserved in available vertebrate species, and tryptophan is the reference amino acid in other vertebrate species. In addition, this alteration is predicted to be tolerated by in silico analysis. Based on the supporting evidence, this variant is unlikely to be causative of autosomal dominant Charcot-Marie-Tooth disease, axonal, type 2U; however, its contribution to the development of autosomal recessive cytoplasmic methionine-tRNA synthetase deficiency is uncertain.